The following is an entry in ClinVar:

NM_000702.4(ATP1A2):c.2491C>T (p.Arg831Trp)

Gene: ATP1A2 (ATPase Na+/K+ transporting subunit alpha 2; plus strand). Cytogenetic location: 1q23.2.
Variant type: single nucleotide variant.
Coding change: c.2491C>T on transcript NM_000702.4 (MANE Select); coding-DNA position 2491, C replaced by T.
Protein change: p.Arg831Trp; replaces arginine 831 with tryptophan.
Molecular consequence: missense variant.
Genome position (GRCh38, 1-based): chr1:160,136,298, C>T. VCF-style: chr1-160136298-C-T. GRCh37 (hg19) VCF-style: chr1-160106088-C-T.
Other names: c.2491C>T (NM_000702.3); short protein forms R831W.
Identifiers: ClinVar variation 1425913 (VCV001425913.8), dbSNP rs1570995030, ClinGen allele CA343251391.

ClinVar aggregate classification (germline): Uncertain significance. Review status: criteria provided, multiple submitters, no conflicts (2 of 4 stars). 2 submissions from 2 submitters: Uncertain significance (2). Last evaluated 2025-10-07.

Conditions:
Familial hemiplegic migraine. Identifiers: MedGen C0338484, MONDO:0000700.

Allele frequency attached by ClinVar (database versions not stated): gnomAD exomes below 0.00001.
gnomAD v4.1: 4 of 1,614,158 alleles (0.00025%); highest among the groups gnomAD compares: Non-Finnish European, 0.00025%; no homozygotes.

Submissions (2):

Labcorp Genetics (formerly Invitae), Labcorp
Classification: Uncertain significance for Familial hemiplegic migraine. Last evaluated: 2025-10-07. Review status: criteria provided, single submitter. Criteria: Invitae Variant Classification Sherloc (09022015). Collection method: clinical testing. Allele origin: germline.
Comment: This sequence change replaces arginine, which is basic and polar, with tryptophan, which is neutral and slightly polar, at codon 831 of the ATP1A2 protein (p.Arg831Trp). This variant is not present in population databases (gnomAD no frequency). This missense change has been observed in individual(s) with clinical features of ATP1A2-related conditions (internal data). ClinVar contains an entry for this variant (Variation ID: 1425913). Invitae Evidence Modeling of protein sequence and biophysical properties (such as structural, functional, and spatial information, amino acid conservation, physicochemical variation, residue mobility, and thermodynamic stability) indicates that this missense variant is expected to disrupt ATP1A2 protein function with a positive predictive value of 80%. In summary, the available evidence is currently insufficient to determine the role of this variant in disease. Therefore, it has been classified as a Variant of Uncertain Significance.

GeneDx
Classification: Uncertain significance. Last evaluated: 2023-09-08. Review status: criteria provided, single submitter. Criteria: GeneDx Variant Classification Process June 2021. Collection method: clinical testing. Allele origin: germline. Affected: yes.
Comment: Not observed at significant frequency in large population cohorts (gnomAD); In silico analysis supports that this missense variant has a deleterious effect on protein structure/function; Has not been previously published as pathogenic or benign to our knowledge